The following is an entry in ClinVar:

NM_173354.5(SIK1):c.1120G>A (p.Val374Met)

Gene: SIK1 (salt inducible kinase 1; minus strand). Cytogenetic location: 21q22.3.
Variant type: single nucleotide variant.
Coding change: c.1120G>A on transcript NM_173354.5 (MANE Select); coding-DNA position 1120, G replaced by A.
Protein change: p.Val374Met; replaces valine 374 with methionine.
Molecular consequence: missense variant.
Genome position (GRCh38, 1-based): chr21:43,419,478, C>T on the plus strand (G>A on the coding strand, the complement: SIK1 is on the minus strand). VCF-style: chr21-43419478-C-T. GRCh37 (hg19) VCF-style: chr21-44839358-C-T.
Other names: short protein forms V374M.
Identifiers: ClinVar variation 4773048 (VCV004773048.1).

ClinVar aggregate classification (germline): Uncertain significance (1 of 4 stars; one submission).

Conditions:
Developmental and epileptic encephalopathy, 30 (DEE30). Also called: Epileptic encephalopathy, early infantile, 30. Identifiers: MedGen C4225360, MONDO:0014595, OMIM 616341.

Submission:

Labcorp Genetics (formerly Invitae), Labcorp
Classification: Uncertain significance for Developmental and epileptic encephalopathy, 30. Last evaluated: 2025-09-27. Review status: criteria provided, single submitter. Criteria: Invitae Variant Classification Sherloc (09022015). Collection method: clinical testing. Allele origin: germline.
Comment: This sequence change replaces valine, which is neutral and non-polar, with methionine, which is neutral and non-polar, at codon 374 of the SIK1 protein (p.Val374Met). This variant is present in population databases (no rsID available, gnomAD 0.0009%). This variant has not been reported in the literature in individuals affected with SIK1-related conditions. An algorithm developed to predict the effect of missense changes on protein structure and function outputs the following: PolyPhen-2: "Possibly Damaging". The methionine amino acid residue is found in multiple mammalian species, which suggests that this missense change does not adversely affect protein function. Algorithms developed to predict the effect of sequence changes on RNA splicing suggest that this variant may disrupt the consensus splice site. In summary, the available evidence is currently insufficient to determine the role of this variant in disease. Therefore, it has been classified as a Variant of Uncertain Significance.